The following is an entry in ClinVar:

NM_007254.4(PNKP):c.1413T>C (p.His471=)

Gene: PNKP (polynucleotide kinase 3'-phosphatase; minus strand). Cytogenetic location: 19q13.33.
Variant type: single nucleotide variant.
Coding change: c.1413T>C on transcript NM_007254.4 (MANE Select); coding-DNA position 1413, T replaced by C.
Protein change: p.His471=; no amino-acid change (histidine 471 retained).
Molecular consequence: synonymous variant.
Genome position (GRCh38, 1-based): chr19:49,861,484, A>G on the plus strand (T>C on the coding strand, the complement: PNKP is on the minus strand). VCF-style: chr19-49861484-A-G. GRCh37 (hg19) VCF-style: chr19-50364741-A-G.
Identifiers: ClinVar variation 499433 (VCV000499433.19), dbSNP rs370017666, ClinGen allele CA9586383.

ClinVar aggregate classification (germline): Conflicting classifications of pathogenicity. Review status: criteria provided, conflicting classifications (1 of 4 stars). 4 submissions from 4 submitters: Uncertain significance (2); Likely benign (1). 1 of the submissions does not count toward it. Last evaluated 2025-11-25.

Conditions:
PNKP-related disorder. Also called: PNKP-related disorders; PNKP-related condition.
Developmental and epileptic encephalopathy, 12 (DEE12). Identifiers: MedGen C3150988, MONDO:0013389, OMIM 613722.
Microcephaly, seizures, and developmental delay. Identifiers: Orphanet 1934, MedGen C3150667, MONDO:0013254, OMIM 613402.

Allele frequency attached by ClinVar (database versions not stated): gnomAD exomes 0.00002 and 0.00005; ExAC 0.00005; gnomAD 0.00015 and 0.00016; TOPMed 0.00016; ESP Exome Variant Server 0.00023.
gnomAD v4.1: 42 of 1,520,294 alleles (0.0028%); highest among the groups gnomAD compares: African/African-American, 0.055%; no homozygotes.

Submissions (4):

Labcorp Genetics (formerly Invitae), Labcorp
Classification: Likely benign for Developmental and epileptic encephalopathy, 12. Last evaluated: 2025-11-25. Review status: criteria provided, single submitter. Criteria: Invitae Variant Classification Sherloc (09022015). Collection method: clinical testing. Allele origin: germline.

Eurofins Ntd Llc (ga)
Classification: Uncertain significance. Last evaluated: 2018-05-25. Review status: criteria provided, single submitter. Criteria: EGL ClinVar v180209 classification definitions. Collection method: clinical testing. Allele origin: germline. Observed: 2 variant alleles, 2 heterozygotes.

Illumina Laboratory Services, Illumina
Classification: Uncertain significance for Microcephaly, seizures, and developmental delay. Last evaluated: 2018-01-13. Review status: criteria provided, single submitter. Criteria: ICSL Variant Classification Criteria 13 December 2019. Collection method: clinical testing. Allele origin: germline.

PreventionGenetics, part of Exact Sciences
Classification: Likely benign for PNKP-related condition. Last evaluated: 2021-05-07. Review status: no assertion criteria provided. Collection method: clinical testing. Allele origin: germline. Not counted in ClinVar's aggregate classification.
Comment: This variant is classified as likely benign based on ACMG/AMP sequence variant interpretation guidelines (Richards et al. 2015 PMID: 25741868, with internal and published modifications).